The following is an entry in ClinVar:

ClinVar aggregate classification (germline): Pathogenic. Review status: reviewed by expert panel (3 of 4 stars). 3 submissions from 3 submitters: Pathogenic (1). 2 of the submissions do not count toward it. Last evaluated 2022-04-12.

Conditions:
Monogenic diabetes. Identifiers: Orphanet 183625, MedGen C3888631, MONDO:0015967.
Maturity-onset diabetes of the young (MODY). Also called: Maturity onset diabetes mellitus in young. Identifiers: Orphanet 552, MedGen C0342276, MONDO:0018911, HP:0004904.

Submissions (3):

ClinGen Monogenic Diabetes Variant Curation Expert Panel
Classification: Pathogenic for Monogenic diabetes. Last evaluated: 2022-04-12. Review status: reviewed by expert panel. Criteria: ClinGen Diabetes ACMG Specifications v1 1. Collection method: curation. Allele origin: germline. Inheritance: Autosomal dominant inheritance.
Comment: The c.694dup variant in the HNF1 homeobox A gene, HNF1A, causes a frameshift in the protein at codon 232 of NM_000545.8, adding 7 novel amino acids before encountering a stop codon (p.Leu232ProfsTer7). This variant, located in biologically-relevant exon 3 of 10, is predicted to lead to nonsense mediated decay in a gene in which loss-of-function is an established disease mechanism (PVS1; PMID: 23348805). This variant is also absent from gnomAD v2.1.1 (PM2_Supporting). This variant was identified in an individual with a clinical history highly specific for HNF1A-MODY (MODY probability calculator result >50%, negative genetic testing for HNF4A, and negative antibodies) (PP4_Moderate; internal lab contributors). In summary, c.694dup meets the criteria to be classified as pathogenic for monogenic diabetes. ACMG/AMP criteria applied, as specified by the ClinGen MDEP (specification version 1.1, approved 9/30/2021): PVS1, PM2_Supporting, PP4_Moderate.

Translational Genomics Laboratory, University of Maryland School of Medicine
Classification: Pathogenic for Monogenic diabetes. Last evaluated: 2016-09-09. Review status: criteria provided, single submitter. Criteria: ACMG Guidelines, 2015. Collection method: clinical testing. Allele origin: germline. Affected: yes. Observed: 1 variant allele, 1 heterozygote. Not counted in ClinVar's aggregate classification.
Comment: The c.694dupC variant in codon 232 (exon 3) of the HNF1 homeobox A gene, HNF1A, results in a frame shifting change in the protein with Leucine-232 as the first affected amino acid. The c. 694dupC variant was not observed in the NHLBI Exome Sequencing Project (ESP), 1000 Genomes Project, or Exome Aggregation Consortium (ExAC) databases. Loss of function frameshift and nonsense mutations in the HNF1A gene, including ones in exon 3, have been reported previously in patients with Maturity-Onset Diabetes of the Young, Type 3 (MODY3) (11058894, 11463573, 23348805). Frameshift mutations in exon 3 would be expected to interrupt the DNA binding domain of the HNF1A protein (18003757). ACMG Criteria = PVS1, PM2, PP4

Clinical Genomics, Uppaluri K&H Personalized Medicine Clinic
Classification: Uncertain risk allele for Maturity-onset diabetes of the young. Review status: criteria provided, single submitter. Criteria: K & H Uppaluri Personalized Medicine Clinic Variant Classification & Assertion Criteria_Updated V.1. Collection method: research. Allele origin: unknown. Inheritance: Autosomal dominant inheritance. Not counted in ClinVar's aggregate classification.
Comment: Mutations in HNF1A gene can predispose to MODY3. It is associated with both micro and macrovascular complications of diabetes, especially cardiovascular complications. Associated with glucosuria. May respond well to sulfonylureas. However, more evidence is required to confer the association of this particular variant rs1057524908 with MODY3.

Literature cited by the submitters: PubMed 11058894 (cited by Translational Genomics Laboratory, University of Maryland School of Medicine); PubMed 11463573 (cited by Translational Genomics Laboratory, University of Maryland School of Medicine); PubMed 23348805 (cited by Translational Genomics Laboratory, University of Maryland School of Medicine); PubMed 18003757 (cited by Translational Genomics Laboratory, University of Maryland School of Medicine); PubMed 31517624 (cited by Clinical Genomics, Uppaluri K&H Personalized Medicine Clinic); PubMed 32395877 (cited by Clinical Genomics, Uppaluri K&H Personalized Medicine Clinic); PubMed 35328643 (cited by Clinical Genomics, Uppaluri K&H Personalized Medicine Clinic); PubMed 35673428 (cited by Clinical Genomics, Uppaluri K&H Personalized Medicine Clinic).

NM_000545.8(HNF1A):c.694dup (p.Leu232fs)

Gene: HNF1A (HNF1 homeobox A; plus strand). Cytogenetic location: 12q24.31.
Variant type: Duplication.
Coding change: c.694dup on transcript NM_000545.8 (MANE Select); coding-DNA position 694, one base duplicated (C; older notation c.694dupC).
Protein change: p.Leu232fs; shifts the reading frame from leucine 232.
Molecular consequence: frameshift variant.
Genome position (GRCh38, 1-based): chr12:120,993,687, C duplicated. VCF-style (leftmost placement, unchanged base first): chr12-120993686-G-GC. GRCh37 (hg19) VCF-style: chr12-121431489-G-GC.
Other names: NM_000545.8(HNF1A):c.694dup; p.Leu232fs; c.694dup, p.Leu232fs (NM_001306179.2); short protein forms L232fs.
Identifiers: ClinVar variation 393456 (VCV000393456.5), dbSNP rs1057524908, ClinGen allele CA16609272.